The following is an entry in ClinVar:

NM_030631.4(SLC25A21):c.322C>T (p.Pro108Ser)

Gene: SLC25A21 (solute carrier family 25 member 21; minus strand). Cytogenetic location: 14q13.3.
Variant type: single nucleotide variant.
Coding change: c.322C>T on transcript NM_030631.4 (MANE Select); coding-DNA position 322, C replaced by T.
Protein change: p.Pro108Ser; replaces proline 108 with serine.
Molecular consequence: missense variant.
Genome position (GRCh38, 1-based): chr14:36,729,515, G>A on the plus strand (C>T on the coding strand, the complement: SLC25A21 is on the minus strand). VCF-style: chr14-36729515-G-A. GRCh37 (hg19) VCF-style: chr14-37198720-G-A.
Other names: c.322C>T, p.Pro108Ser (NM_001171170.2); short protein forms P108S.
Identifiers: ClinVar variation 1361589 (VCV001361589.6), dbSNP rs113916428, ClinGen allele CA7159346.
Genomic context (GRCh38, chr14:36,729,515, plus strand): 5'-TTGCTTTATGAAATAACACACACATTTAAGTATAATAAATACTCTCACTTACCAATGCTG[G>A]TGACAGTGACACATATCCCAGCAATTTCTTGTACTGCTCAAAGGTGAAAAACTGTGAAAC-3'
Protein context (NP_085134.1, residues 98-118): KKLLGYVSLS[Pro108Ser]ALTFAIAGLG

ClinVar aggregate classification (germline): Uncertain significance (1 of 4 stars; one submission).

Allele frequency attached by ClinVar (database versions not stated): gnomAD exomes below 0.00001 and 0.00001; ExAC 0.00003; TOPMed 0.00005; ESP Exome Variant Server 0.00008; gnomAD 0.00011 and 0.00014.
gnomAD v4.1: 22 of 1,606,696 alleles (0.0014%); highest among the groups gnomAD compares: African/African-American, 0.025%; no homozygotes.

Submission:

Labcorp Genetics (formerly Invitae), Labcorp
Classification: Uncertain significance. Last evaluated: 2021-09-08. Review status: criteria provided, single submitter. Criteria: Invitae Variant Classification Sherloc (09022015). Collection method: clinical testing. Allele origin: germline.
Comment: This sequence change replaces proline with serine at codon 108 of the SLC25A21 protein (p.Pro108Ser). The proline residue is highly conserved and there is a moderate physicochemical difference between proline and serine. This variant is present in population databases (rs113916428, ExAC 0.03%). This variant has not been reported in the literature in individuals affected with SLC25A21-related conditions. Algorithms developed to predict the effect of missense changes on protein structure and function are either unavailable or do not agree on the potential impact of this missense change (SIFT: "Deleterious"; PolyPhen-2: "Benign"; Align-GVGD: "Class C65"). In summary, the available evidence is currently insufficient to determine the role of this variant in disease. Therefore, it has been classified as a Variant of Uncertain Significance.